The following is an entry in ClinVar:

NM_001127222.2(CACNA1A):c.5051T>C (p.Phe1684Ser)

Gene: CACNA1A (calcium voltage-gated channel subunit alpha1 A; minus strand). Cytogenetic location: 19p13.13.
Variant type: single nucleotide variant.
Coding change: c.5051T>C on transcript NM_001127222.2 (MANE Select); coding-DNA position 5051, T replaced by C.
Protein change: p.Phe1684Ser; replaces phenylalanine 1684 with serine.
Molecular consequence: missense variant.
Genome position (GRCh38, 1-based): chr19:13,235,630, A>G on the plus strand (T>C on the coding strand, the complement: CACNA1A is on the minus strand). VCF-style: chr19-13235630-A-G. GRCh37 (hg19) VCF-style: chr19-13346444-A-G.
Other names: c.5069T>C, p.Phe1690Ser (NM_000068.4, NM_023035.3); c.5054T>C, p.Phe1685Ser (NM_001127221.2); c.5060T>C, p.Phe1687Ser (NM_001174080.2); short protein forms F1685S, F1687S, F1690S, F1684S.
Identifiers: ClinVar variation 2953049 (VCV002953049.5), dbSNP rs2512648964, ClinGen allele CA404336598.

ClinVar aggregate classification (germline): Uncertain significance. Review status: criteria provided, multiple submitters, no conflicts (2 of 4 stars). 2 submissions from 2 submitters: Uncertain significance (2). Last evaluated 2024-10-30.

Conditions:
Inborn genetic diseases. Identifiers: MedGen C0950123, MeSH D030342.
Episodic ataxia type 2 (EA2). Also called: CEREBELLAR ATAXIA, PAROXYSMAL, ACETAZOLAMIDE-RESPONSIVE; CEREBELLOPATHY, HEREDITARY PAROXYSMAL; EPISODIC ATAXIA, NYSTAGMUS-ASSOCIATED; ACETAZOLAMIDE-RESPONSIVE HEREDITARY PAROXYSMAL CEREBELLAR ATAXIA; ATAXIA, EPISODIC, WITH NYSTAGMUS; ATAXIA, FAMILIAL PAROXYSMAL. Identifiers: Orphanet 97, MedGen C1720416, MONDO:0007163, OMIM 108500.
Developmental and epileptic encephalopathy, 42 (DEE42A). Also called: Epileptic encephalopathy, early infantile, 42; DEVELOPMENTAL AND EPILEPTIC ENCEPHALOPATHY 42A; EPILEPTIC ENCEPHALOPATHY, EARLY INFANTILE, 42A. Identifiers: MedGen C4310716, MONDO:0014917, OMIM 617106.

Submissions (2):

Labcorp Genetics (formerly Invitae), Labcorp
Classification: Uncertain significance for Developmental and epileptic encephalopathy, 42; Episodic ataxia type 2. Last evaluated: 2024-10-30. Review status: criteria provided, single submitter. Criteria: Invitae Variant Classification Sherloc (09022015). Collection method: clinical testing. Allele origin: germline.
Comment: This sequence change replaces phenylalanine, which is neutral and non-polar, with serine, which is neutral and polar, at codon 1685 of the CACNA1A protein (p.Phe1685Ser). This variant is not present in population databases (gnomAD no frequency). This variant has not been reported in the literature in individuals affected with CACNA1A-related conditions. ClinVar contains an entry for this variant (Variation ID: 2953049). Invitae Evidence Modeling of protein sequence and biophysical properties (such as structural, functional, and spatial information, amino acid conservation, physicochemical variation, residue mobility, and thermodynamic stability) indicates that this missense variant is expected to disrupt CACNA1A protein function with a positive predictive value of 95%. In summary, the available evidence is currently insufficient to determine the role of this variant in disease. Therefore, it has been classified as a Variant of Uncertain Significance.

Ambry Genetics
Classification: Uncertain significance for Inborn genetic diseases. Last evaluated: 2024-08-13. Review status: criteria provided, single submitter. Criteria: Ambry Variant Classification Scheme 2023. Collection method: clinical testing. Allele origin: germline.
Comment: The c.5054T>C (p.F1685S) alteration is located in exon 32 (coding exon 32) of the CACNA1A gene. This alteration results from a T to C substitution at nucleotide position 5054, causing the phenylalanine (F) at amino acid position 1685 to be replaced by a serine (S). for CACNA1A-related neurologic disorder and episodic ataxia, type 2; however, it is unlikely to be causative of CACNA1A-related spinocerebellar ataxia. This variant was not reported in population-based cohorts in the Genome Aggregation Database (gnomAD). This amino acid position is highly conserved in available vertebrate species. This missense alteration is located in a region that has a low rate of benign missense variation (Lek, 2016; Firth, 2009). This alteration is predicted to be deleterious by in silico analysis. Based on insufficient or conflicting evidence, the clinical significance of this alteration remains unclear.